The following is an entry in ClinVar:

ClinVar aggregate classification (germline): Uncertain significance. Review status: criteria provided, multiple submitters, no conflicts (2 of 4 stars). 3 submissions from 3 submitters: Uncertain significance (3). Last evaluated 2025-11-11.

Conditions:
Inborn genetic diseases. Identifiers: MedGen C0950123, MeSH D030342.
Bethlem myopathy 1A. Also called: Bethlem Muscular Dystrophy; MYOPATHY, BENIGN CONGENITAL, WITH CONTRACTURES; Bethlem myopathy 1. Identifiers: Orphanet 610, MedGen CN029274, MONDO:0024530, OMIM 158810.

Allele frequency attached by ClinVar (database versions not stated): ExAC below 0.00001; gnomAD exomes 0.00002; TOPMed 0.00002; gnomAD 0.00003.

Submissions (3):

Ambry Genetics
Classification: Uncertain significance for Inborn genetic diseases. Last evaluated: 2025-11-11. Review status: criteria provided, single submitter. Criteria: Ambry Variant Classification Scheme 2023. Collection method: clinical testing. Allele origin: germline.

GeneDx
Classification: Uncertain significance. Last evaluated: 2024-08-13. Review status: criteria provided, single submitter. Criteria: GeneDx Variant Classification Process June 2021. Collection method: clinical testing. Allele origin: germline. Affected: yes.
Comment: Not observed at significant frequency in large population cohorts (gnomAD); In silico analysis indicates that this missense variant does not alter protein structure/function; Has not been previously published as pathogenic or benign to our knowledge

Labcorp Genetics (formerly Invitae), Labcorp
Classification: Uncertain significance for Bethlem myopathy 1A. Last evaluated: 2023-07-22. Review status: criteria provided, single submitter. Criteria: Invitae Variant Classification Sherloc (09022015). Collection method: clinical testing. Allele origin: germline.
Comment: Advanced modeling of protein sequence and biophysical properties (such as structural, functional, and spatial information, amino acid conservation, physicochemical variation, residue mobility, and thermodynamic stability) performed at Invitae indicates that this missense variant is not expected to disrupt COL6A1 protein function. In summary, the available evidence is currently insufficient to determine the role of this variant in disease. Therefore, it has been classified as a Variant of Uncertain Significance. ClinVar contains an entry for this variant (Variation ID: 1023893). This variant has not been reported in the literature in individuals affected with COL6A1-related conditions. This variant is not present in population databases (gnomAD no frequency). This sequence change replaces tyrosine, which is neutral and polar, with phenylalanine, which is neutral and non-polar, at codon 659 of the COL6A1 protein (p.Tyr659Phe).

NM_001848.3(COL6A1):c.1976A>T (p.Tyr659Phe)

Gene: COL6A1 (collagen type VI alpha 1 chain; plus strand). Cytogenetic location: 21q22.3.
Variant type: single nucleotide variant.
Coding change: c.1976A>T on transcript NM_001848.3 (MANE Select); coding-DNA position 1976, A replaced by T.
Protein change: p.Tyr659Phe; replaces tyrosine 659 with phenylalanine.
Molecular consequence: missense variant.
Genome position (GRCh38, 1-based): chr21:46,001,980, A>T. VCF-style: chr21-46001980-A-T. GRCh37 (hg19) VCF-style: chr21-47421894-A-T.
Other names: short protein forms Y659F.
Identifiers: ClinVar variation 1023893 (VCV001023893.12), dbSNP rs752045107, ClinGen allele CA10070705.